The following is an entry in ClinVar:

ClinVar aggregate classification (germline): Pathogenic (1 of 4 stars; one submission).

Submission:

Labcorp Genetics (formerly Invitae), Labcorp
Classification: Pathogenic. Last evaluated: 2022-10-21. Review status: criteria provided, single submitter. Criteria: Invitae Variant Classification Sherloc (09022015). Collection method: clinical testing. Allele origin: germline.
Comment: This variant is not present in population databases (gnomAD no frequency). For these reasons, this variant has been classified as Pathogenic. This variant has not been reported in the literature in individuals affected with COL11A2-related conditions. This sequence change creates a premature translational stop signal (p.Ala179Profs*22) in the COL11A2 gene. It is expected to result in an absent or disrupted protein product. Loss-of-function variants in COL11A2 are known to be pathogenic (PMID: 10677296, 21204229).

Literature cited by the submitters: PubMed 10677296; PubMed 21204229.

NM_080680.3(COL11A2):c.527_533dup (p.Ala179fs)

Gene: COL11A2 (collagen type XI alpha 2 chain; minus strand). Cytogenetic location: 6p21.32.
Variant type: Duplication.
Coding change: c.527_533dup on transcript NM_080680.3 (MANE Select); coding-DNA positions 527 to 533, 7 bases duplicated (CCCGAAG; older notation c.527_533dupCCCGAAG).
Protein change: p.Ala179fs; shifts the reading frame from alanine 179.
Molecular consequence: frameshift variant. On other transcripts: 5 prime UTR variant (3), non-coding transcript variant (1).
Genome position (GRCh38, 1-based): chr6:33,188,435-33,188,441, CTTCGGG duplicated on the plus strand (CCCGAAG on the coding strand, the reverse complement: COL11A2 is on the minus strand). VCF-style (leftmost placement, unchanged base first): chr6-33188434-A-ACTTCGGG. GRCh37 (hg19) VCF-style: chr6-33156211-A-ACTTCGGG.
Other names: c.527_533dup, p.Ala179fs (NM_001163771.2, NM_001424108.1, NM_080679.3 and 1 more transcripts); c.-320_-314dup (NM_001424109.1, NM_001424110.1, NM_001424111.1); short protein forms A179fs.
Identifiers: ClinVar variation 2808459 (VCV002808459.3), dbSNP rs2535535215, ClinGen allele CA2739272929.